The following is an entry in ClinVar:

ClinVar aggregate classification (germline): Benign. Review status: reviewed by expert panel (3 of 4 stars). 14 submissions from 13 submitters: Benign (1). 13 of the submissions do not count toward it. Last evaluated 2024-06-11.

Conditions:
Hereditary cancer-predisposing syndrome. Also called: Neoplastic Syndromes, Hereditary; Hereditary neoplastic syndrome; Hereditary Cancer Syndrome; Tumor predisposition. Identifiers: Orphanet 140162, MedGen C0027672, MeSH D009386, MONDO:0015356.
BRCA2-related cancer predisposition. Identifiers: MedGen CN377758, MONDO:0700269.
Hereditary breast ovarian cancer syndrome. Also called: Hereditary breast and/or ovarian cancer syndrome; Hereditary breast and ovarian cancer; Breast and ovarian cancer; BRCA1- and BRCA2-Associated Hereditary Breast and Ovarian Cancer; Hereditary breast and ovarian cancer syndrome (HBOC); Hereditary breast and ovarian cancer syndrome. Identifiers: Orphanet 145, MedGen C0677776, MeSH D061325, MONDO:0003582. Disease mechanism: loss of function.
Breast-ovarian cancer, familial, susceptibility to, 2 (BROVCA2). Also called: BRCA2 Hereditary Breast and Ovarian Cancer. Identifiers: Orphanet 145, MedGen C2675520, MONDO:0012933, OMIM 612555. Disease mechanism: loss of function.
Familial cancer of breast. Also called: Hereditary breast cancer; BREAST CANCER, FAMILIAL; hereditary breast carcinoma. Identifiers: Orphanet 227535, MedGen C0346153, MONDO:0016419, OMIM 114480. Disease mechanism: loss of function.

Allele frequency attached by ClinVar (database versions not stated): gnomAD 0.00858 and 0.00802; 1000 Genomes Project 30x 0.00921; TOPMed 0.00920; ESP Exome Variant Server 0.00908; 1000 Genomes Project 0.00938.
gnomAD v4.1: 2,846 of 1,567,870 alleles (0.18%); highest among the groups gnomAD compares: African/African-American, 3%; 39 homozygotes.

Submissions (14):

ClinGen ENIGMA BRCA1 and BRCA2 Variant Curation Expert Panel, ClinGen
Classification: Benign for BRCA2-related cancer predisposition. Last evaluated: 2024-06-11. Review status: reviewed by expert panel. Criteria: CSpec BRCA1/2ACMG Rules Specifications V1.0. Collection method: curation. Allele origin: germline. Inheritance: Autosomal dominant inheritance.
Comment: The c.7806-40A>G variant is an intronic variant occurring in intron 16 of the BRCA2 gene. The highest non-cancer, non-founder population filter allele frequency in gnomAD v2.1 (exomes only, non-cancer subset, read depth >=20) or gnomAD v3.1 (non-cancer subset, read depth >=20) is 0.02867 in the African/African American population, which is above the ENIGMA BRCA1/2 VCEP threshold (>0.001) for BA1 (BA1 met). This BRCA2 intronic variant is outside of the native donor and acceptor 1,2 splice sites, and SpliceAI predictor score of 0.00 suggests that the variant has no impact on splicing (score threshold <0.10) (BP4 met). This is an intronic variant, and mRNA experimental analysis indicates no impact on splicing (PMID: 22505045), considered strong evidence against pathogenicity (BP7_Strong (RNA)). This variant has been observed in >10 individuals with features considered inconsistent with an FA-associated phenotype, and (Likely) Pathogenic variant seen in trans or variant is homozygous (total score >4 points) (BS2 met; Invitae internal contributor). Multifactorial likelihood ratio analysis using clinically calibrated data produced a combined LR for this variant of 0.008 (based on Pathology LR=0.81; Case-Control LR=0.0095), within the thresholds for Strong benign evidence (LR >=0.00285 & <0.05) (BP5_Strong met; Internal lab contributors). In summary, this variant meets the criteria to be classified as a Benign variant for BRCA2-related cancer predisposition based on the ACMG/AMP criteria applied as specified by the ENIGMA BRCA1/2 VCEP (BA1, BP4, BP7_Strong (RNA), BS2, BP5_Strong).

Labcorp Genetics (formerly Invitae), Labcorp
Classification: Benign for Hereditary breast ovarian cancer syndrome. Last evaluated: 2026-01-12. Review status: criteria provided, single submitter. Criteria: Invitae Variant Classification Sherloc (09022015). Collection method: clinical testing. Allele origin: germline. Not counted in ClinVar's aggregate classification.

Center for Genomic Medicine, Rigshospitalet, Copenhagen University Hospital
Classification: Benign. Last evaluated: 2025-03-04. Review status: criteria provided, single submitter. Criteria: ACMG Guidelines, 2015. Collection method: clinical testing. Allele origin: germline. Not counted in ClinVar's aggregate classification.

KCCC/NGS Laboratory, Kuwait Cancer Control Center
Classification: Benign for Familial cancer of breast. Last evaluated: 2025-02-01. Review status: criteria provided, single submitter. Criteria: ACMG Guidelines, 2015. Collection method: clinical testing. Allele origin: germline. Affected: no. Not counted in ClinVar's aggregate classification.

KCCC/NGS Laboratory, Kuwait Cancer Control Center
Classification: Benign for Breast-ovarian cancer, familial, susceptibility to, 2. Last evaluated: 2023-07-07. Review status: criteria provided, single submitter. Criteria: ACMG Guidelines, 2015. Collection method: clinical testing. Allele origin: germline. Affected: yes. Not counted in ClinVar's aggregate classification.

National Health Laboratory Service, Universitas Academic Hospital and University of the Free State
Classification: Benign for Hereditary breast ovarian cancer syndrome. Last evaluated: 2022-04-19. Review status: criteria provided, single submitter. Criteria: ACMG Guidelines, 2015. Collection method: clinical testing. Allele origin: germline. Affected: yes. Observed: 7 variant alleles. Not counted in ClinVar's aggregate classification.

ARUP Laboratories, Molecular Genetics and Genomics, ARUP Laboratories
Classification: Benign. Last evaluated: 2020-03-20. Review status: criteria provided, single submitter. Criteria: ARUP Molecular Germline Variant Investigation Process. Collection method: clinical testing. Allele origin: germline. Not counted in ClinVar's aggregate classification.

Department of Pathology and Laboratory Medicine, Sinai Health System
Classification: Likely benign. Last evaluated: 2017-10-25. Review status: criteria provided, single submitter. Criteria: ACMG Guidelines, 2015. Collection method: clinical testing. Allele origin: germline. Affected: yes. Study: Canadian Open Genetics Repository (COGR). Not counted in ClinVar's aggregate classification.

GeneDx
Classification: Benign. Last evaluated: 2015-03-03. Review status: criteria provided, single submitter. Criteria: GeneDx Variant Classification Process June 2021. Collection method: clinical testing. Allele origin: germline. Affected: yes. Not counted in ClinVar's aggregate classification.

Molecular Genetics Laboratory, University of Michigan
Classification: Benign for Breast-ovarian cancer, familial, susceptibility to, 2. Last evaluated: 2014-11-03. Review status: criteria provided, single submitter. Criteria: ACMG Guidelines, 2015. Collection method: clinical testing. Allele origin: germline. Affected: yes. Not counted in ClinVar's aggregate classification.

University of Washington Department of Laboratory Medicine, University of Washington
Classification: Likely benign for Hereditary cancer-predisposing syndrome. Last evaluated: 2015-12-01. Review status: no assertion criteria provided. Collection method: clinical testing. Allele origin: germline. Affected: yes. Not counted in ClinVar's aggregate classification.

Breast Cancer Information Core (BIC) (BRCA2)
Classification: Uncertain significance for Breast-ovarian cancer, familial 2. Last evaluated: 2007-01-18. Review status: no assertion criteria provided. Collection method: clinical testing. Allele origin: germline. Affected: yes. Observed: 1 variant allele. Not counted in ClinVar's aggregate classification.

Clinical Genetics Laboratory, Department of Pathology, Netherlands Cancer Institute
Classification: Benign. Review status: no assertion criteria provided. Collection method: clinical testing. Allele origin: germline. Affected: yes. Study: VKGL Data-share Consensus. Not counted in ClinVar's aggregate classification.

Joint Genome Diagnostic Labs from Nijmegen and Maastricht, Radboudumc and MUMC+
Classification: Benign. Review status: no assertion criteria provided. Collection method: clinical testing. Allele origin: germline. Affected: yes. Study: VKGL Data-share Consensus. Not counted in ClinVar's aggregate classification.

Literature cited by the submitters: DOI 10.3389/fgene.2022.834265 (cited by National Health Laboratory Service, Universitas Academic Hospital and University of the Free State).

NM_000059.4(BRCA2):c.7806-40A>G

Gene: BRCA2 (BRCA2 DNA repair associated; plus strand). Cytogenetic location: 13q13.1.
Variant type: single nucleotide variant.
Coding change: c.7806-40A>G on transcript NM_000059.4 (MANE Select); 40 bases into the intron before coding-DNA position 7806, A replaced by G.
Molecular consequence: intron variant.
Genome position (GRCh38, 1-based): chr13:32,362,483, A>G. VCF-style: chr13-32362483-A-G. GRCh37 (hg19) VCF-style: chr13-32936620-A-G.
Other names: IVS16-40A>G.
Identifiers: ClinVar variation 52419 (VCV000052419.48), dbSNP rs9590939, ClinGen allele CA025290.
Genomic context (GRCh38, chr13:32,362,483, plus strand): 5'-CTTGAACAATGTAGTTTTTGTACAGAGAATAGTTGTAGTTGTTGAATTCAGTATCATCCT[A>G]TGTGGTTTTTATGATAATATTCTACTTTTATTTGTTCAGGGCTCTGTGTGACACTCCAGG-3'